The following is an entry in ClinVar:

NM_007194.4(CHEK2):c.961G>T (p.Glu321Ter)

Gene: CHEK2 (checkpoint kinase 2; minus strand). Cytogenetic location: 22q12.1.
Variant type: single nucleotide variant.
Coding change: c.961G>T on transcript NM_007194.4 (MANE Select); coding-DNA position 961, G replaced by T.
Protein change: p.Glu321Ter; replaces glutamic acid 321 with a stop codon.
Molecular consequence: nonsense.
Genome position (GRCh38, 1-based): chr22:28,699,885, C>A on the plus strand (G>T on the coding strand, the complement: CHEK2 is on the minus strand). VCF-style: chr22-28699885-C-A. GRCh37 (hg19) VCF-style: chr22-29095873-C-A.
Other names: c.1090G>T, p.Glu364Ter (NM_001005735.3); c.298G>T, p.Glu100Ter (NM_001257387.3); c.760G>T, p.Glu254Ter (NM_001349956.3); c.961G>T, p.Glu321Ter (NM_145862.3); short protein forms E321*, E364*, E254*, E100*.
Identifiers: ClinVar variation 479605 (VCV000479605.12), dbSNP rs1555915433, ClinGen allele CA411099812.

ClinVar aggregate classification (germline): Pathogenic/Likely pathogenic. Review status: criteria provided, multiple submitters, no conflicts (2 of 4 stars). 5 submissions from 5 submitters: Pathogenic (4); Likely pathogenic (1). Last evaluated 2025-11-11.

Conditions:
Hereditary cancer-predisposing syndrome. Also called: Hereditary neoplastic syndrome; Tumor predisposition; Neoplastic Syndromes, Hereditary; Hereditary Cancer Syndrome. Identifiers: Orphanet 140162, MedGen C0027672, MeSH D009386, MONDO:0015356.
CHEK2-related cancer predisposition (TPDS4). Also called: TUMOR PREDISPOSITION SYNDROME 4; CANCER PREDISPOSITION SYNDROME, CHEK2-RELATED; CHEK2-related cancer susceptibility. Identifiers: Orphanet 524, MedGen C5882668, MONDO:0700271, OMIM 609265.
Familial cancer of breast. Also called: hereditary breast carcinoma; BREAST CANCER, FAMILIAL; Hereditary breast cancer. Identifiers: Orphanet 227535, MedGen C0346153, MONDO:0016419, OMIM 114480. Disease mechanism: loss of function.

Submissions (5):

Labcorp Genetics (formerly Invitae), Labcorp
Classification: Pathogenic for Familial cancer of breast. Last evaluated: 2025-11-11. Review status: criteria provided, single submitter. Criteria: Invitae Variant Classification Sherloc (09022015). Collection method: clinical testing. Allele origin: germline.
Comment: This sequence change creates a premature translational stop signal (p.Glu321*) in the CHEK2 gene. It is expected to result in an absent or disrupted protein product. Loss-of-function variants in CHEK2 are known to be pathogenic (PMID: 21876083, 24713400). This variant is not present in population databases (gnomAD no frequency). This premature translational stop signal has been observed in individual(s) with CHEK2-related conditions (PMID: 32521533, 36113475). ClinVar contains an entry for this variant (Variation ID: 479605). For these reasons, this variant has been classified as Pathogenic.

Ambry Genetics
Classification: Pathogenic for Hereditary cancer-predisposing syndrome. Last evaluated: 2024-09-26. Review status: criteria provided, single submitter. Criteria: Ambry Variant Classification Scheme 2023. Collection method: clinical testing. Allele origin: germline.
Comment: The p.E321* pathogenic mutation (also known as c.961G>T), located in coding exon 8 of the CHEK2 gene, results from a G to T substitution at nucleotide position 961. This changes the amino acid from a glutamic acid to a stop codon within coding exon 8. This variant is considered to be rare based on population cohorts in the Genome Aggregation Database (gnomAD). This alteration is expected to result in loss of function by premature protein truncation or nonsense-mediated mRNA decay. As such, this alteration is interpreted as a disease-causing mutation.

Myriad Genetics, Inc.
Classification: Pathogenic for Familial cancer of breast. Last evaluated: 2023-06-27. Review status: criteria provided, single submitter. Criteria: Myriad Autosomal Dominant, Autosomal Recessive and X-Linked Classification Criteria (2023). Collection method: clinical testing. Allele origin: unknown.
Comment: This variant is considered pathogenic. This variant creates a termination codon and is predicted to result in premature protein truncation.

Sema4
Classification: Likely pathogenic for Hereditary cancer-predisposing syndrome. Last evaluated: 2021-09-02. Review status: criteria provided, single submitter. Criteria: Sema4 Curation Guidelines. Collection method: curation. Allele origin: germline.
Comment: The CHEK2 c.961G>T (p.E321X) variant has been reported in heterozygosity in at least one individual with gastric cancer (PMID: 32521533). This nonsense variant creates a premature stop codon at residue 321 of the CHEK2 protein. At this location, this is predicted to cause nonsense-mediated decay and result in an absent protein (loss of function). This variant is not reported in the Genome Aggregation Database (PMID: 32461654). This variant has been reported in ClinVar (Variation ID: 479605). Based on the current evidence available, this variant is interpreted as likely pathogenic.

Juno Genomics, Hangzhou Juno Genomics, Inc
Classification: Pathogenic for CHEK2-related cancer predisposition. Review status: criteria provided, single submitter. Criteria: ACMG Guidelines, 2015. Collection method: clinical testing. Allele origin: germline.
Comment: Absent from controls (or at extremely low frequency if recessive) in Genome Aggregation Database.;Null variant in a gene where loss of function (LOF) is a known mechanism of disease.;The prevalence of the variant in affected individuals is significantly increased compared to the prevalence in controls.

Literature cited by the submitters: PubMed 21876083 (cited by Labcorp Genetics (formerly Invitae), Labcorp); PubMed 24713400 (cited by Labcorp Genetics (formerly Invitae), Labcorp); PubMed 32521533 (cited by Labcorp Genetics (formerly Invitae), Labcorp and Sema4); PubMed 36113475 (cited by Labcorp Genetics (formerly Invitae), Labcorp).